The following is an entry in ClinVar:

NM_201384.3(PLEC):c.7610A>G (p.Gln2537Arg)

Gene: PLEC (plectin; minus strand). Cytogenetic location: 8q24.3.
Variant type: single nucleotide variant.
Coding change: c.7610A>G on transcript NM_201384.3 (MANE Select); coding-DNA position 7610, A replaced by G.
Protein change: p.Gln2537Arg; replaces glutamine 2537 with arginine.
Molecular consequence: missense variant.
Genome position (GRCh38, 1-based): chr8:143,922,211, T>C on the plus strand (A>G on the coding strand, the complement: PLEC is on the minus strand). VCF-style: chr8-143922211-T-C. GRCh37 (hg19) VCF-style: chr8-144996379-T-C.
Other names: c.7691A>G, p.Gln2564Arg (NM_000445.5); c.7568A>G, p.Gln2523Arg (NM_201378.4); c.7544A>G, p.Gln2515Arg (NM_201379.3); c.8021A>G, p.Gln2674Arg (NM_201380.4); c.7514A>G, p.Gln2505Arg (NM_201381.3); c.7610A>G, p.Gln2537Arg (NM_201382.4); c.7622A>G, p.Gln2541Arg (NM_201383.3); c.7691A>G (NM_000445.3); short protein forms Q2674R, Q2515R, Q2523R, Q2541R, Q2564R, Q2505R, Q2537R.
Identifiers: ClinVar variation 538993 (VCV000538993.9), dbSNP rs781861513, ClinGen allele CA4925567.
Genomic context (GRCh38, chr8:143,922,211, plus strand): 5'-CGCCGCGCCTCCTCCATGCTGGCCACCAGCCGCTGCCGTTCCTGCTCCATCTGCTGCTGC[T>C]GCCGCTGCTGCTCCTCACGCAGCTGCTGTGCCTTGGCCACCTCGTCCTGGAAGAGCTGCT-3'
Protein context (NP_958786.1, residues 2527-2547): AQQLREEQQR[Gln2537Arg]QQQMEQERQR

ClinVar aggregate classification (germline): Uncertain significance. Review status: criteria provided, multiple submitters, no conflicts (2 of 4 stars). 4 submissions from 4 submitters: Uncertain significance (4). Last evaluated 2025-08-21.

Conditions:
Inborn genetic diseases. Identifiers: MedGen C0950123, MeSH D030342.
Epidermolysis bullosa simplex with nail dystrophy (EBS5D). Identifiers: MedGen C4225309, MONDO:0014661, OMIM 616487.
Epidermolysis bullosa simplex 5B, with muscular dystrophy (EBS5B). Also called: EPIDERMOLYSIS BULLOSA SIMPLEX AND LIMB-GIRDLE MUSCULAR DYSTROPHY; Epidermolysis bullosa simplex with muscular dystrophy. Identifiers: Orphanet 257, MedGen C2931072, MONDO:0009181, OMIM 226670.
Epidermolysis bullosa simplex, Ogna type (EBS5A). Also called: Pidermolysis bullosa simplex 5A, Ogna type; EPIDERMOLYSIS BULLOSA SIMPLEX 5A, OGNA TYPE. Identifiers: Orphanet 79401, MedGen C0432317, MONDO:0007555, OMIM 131950.
Autosomal recessive limb-girdle muscular dystrophy type 2Q (LGMDR17). Also called: MUSCULAR DYSTROPHY, LIMB-GIRDLE, AUTOSOMAL RECESSIVE 17. Identifiers: Orphanet 254361, MedGen C3150989, MONDO:0013390, OMIM 613723.
Epidermolysis bullosa simplex 5C, with pyloric atresia (EBS5C). Also called: PLEC-Related Epidermolysis Bullosa with Pyloric Atresia; Epidermolysis bullosa simplex with pyloric atresia; PLEC1-Related Epidermolysis Bullosa with Pyloric Atresia. Identifiers: Orphanet 158684, MedGen C2677349, MONDO:0012807, OMIM 612138.

Allele frequency attached by ClinVar (database versions not stated): ExAC below 0.00001; gnomAD 0.00001; gnomAD exomes 0.00001.
gnomAD v4.1: 17 of 1,559,182 alleles (0.0011%); highest among the groups gnomAD compares: East Asian, 0.0047%; no homozygotes.

Submissions (4):

Labcorp Genetics (formerly Invitae), Labcorp
Classification: Uncertain significance for Autosomal recessive limb-girdle muscular dystrophy type 2Q; Epidermolysis bullosa simplex, Ogna type; Epidermolysis bullosa simplex with nail dystrophy; Epidermolysis bullosa simplex 5C, with pyloric atresia; Epidermolysis bullosa simplex 5B, with muscular dystrophy. Last evaluated: 2025-08-21. Review status: criteria provided, single submitter. Criteria: Invitae Variant Classification Sherloc (09022015). Collection method: clinical testing. Allele origin: germline.
Comment: This sequence change replaces glutamine, which is neutral and polar, with arginine, which is basic and polar, at codon 2564 of the PLEC protein (p.Gln2564Arg). The frequency data for this variant in the population databases is considered unreliable, as metrics indicate poor data quality at this position in the gnomAD database. This variant has not been reported in the literature in individuals affected with PLEC-related conditions. ClinVar contains an entry for this variant (Variation ID: 538993). Invitae Evidence Modeling of protein sequence and biophysical properties (such as structural, functional, and spatial information, amino acid conservation, physicochemical variation, residue mobility, and thermodynamic stability) has been performed for this missense variant. However, the output from this modeling did not meet the statistical confidence thresholds required to predict the impact of this variant on PLEC protein function. In summary, the available evidence is currently insufficient to determine the role of this variant in disease. Therefore, it has been classified as a Variant of Uncertain Significance.

Women's Health and Genetics/Laboratory Corporation of America, LabCorp
Classification: Uncertain significance. Last evaluated: 2024-07-02. Review status: criteria provided, single submitter. Criteria: LabCorp Variant Classification Summary - May 2015. Collection method: clinical testing. Allele origin: germline.
Comment: Variant summary: PLEC c.7691A>G (p.Gln2564Arg) results in a conservative amino acid change in the encoded protein sequence. Three of five in-silico tools predict a benign effect of the variant on protein function. The variant allele was found at a frequency of 5.9e-06 in 168606 control chromosomes. The available data on variant occurrences in the general population are insufficient to allow any conclusion about variant significance. To our knowledge, no occurrence of c.7691A>G in individuals affected with PLEC-Related Disorders and no experimental evidence demonstrating its impact on protein function have been reported. ClinVar contains an entry for this variant (Variation ID: 538993). Based on the evidence outlined above, the variant was classified as uncertain significance.

Ambry Genetics
Classification: Uncertain significance for Inborn genetic diseases. Last evaluated: 2024-03-05. Review status: criteria provided, single submitter. Criteria: Ambry Variant Classification Scheme 2023. Collection method: clinical testing. Allele origin: germline.

Revvity Omics, Revvity
Classification: Uncertain significance. Last evaluated: 2023-11-27. Review status: criteria provided, single submitter. Criteria: ACMG Guidelines, 2015. Collection method: clinical testing. Allele origin: germline.